The following is an entry in ClinVar:

NM_007194.4(CHEK2):c.444+1del

Gene: CHEK2 (checkpoint kinase 2; minus strand). Cytogenetic location: 22q12.1.
Variant type: Deletion.
Coding change: c.444+1del on transcript NM_007194.4 (MANE Select); the canonical splice donor site of the intron after coding-DNA position 444, one base deleted (G; older notation c.444+1delG).
Molecular consequence: splice donor variant.
Genome position (GRCh38, 1-based): chr22:28,725,242, C deleted on the plus strand (G on the coding strand, the reverse complement: CHEK2 is on the minus strand); the first of 3 consecutive C bases (chr22:28,725,242-28,725,244); deleting any one gives the same sequence. VCF-style (leftmost placement, unchanged base first): chr22-28725241-AC-A. GRCh37 (hg19) VCF-style: chr22-29121229-AC-A.
Other names: c.444+1delG (NM_007194.3); c.-220+1del (NM_001437942.1); c.444+1del (NM_001349956.3, NM_145862.3); c.-334+1del (NM_001257387.3); c.537+1del (NM_001438295.1, NM_001438293.1); c.573+1del (NM_001438294.1, NM_001005735.3).
Identifiers: ClinVar variation 419303 (VCV000419303.29), dbSNP rs1064793780, ClinGen allele CA16621081.

ClinVar aggregate classification (germline): Pathogenic/Likely pathogenic. Review status: criteria provided, multiple submitters, no conflicts (2 of 4 stars). 10 submissions from 10 submitters: Pathogenic (2); Likely pathogenic (6). 2 of the submissions do not count toward it. Last evaluated 2025-05-30.

Conditions:
Hereditary cancer-predisposing syndrome. Also called: Hereditary Cancer Syndrome; Tumor predisposition; Neoplastic Syndromes, Hereditary; Hereditary neoplastic syndrome. Identifiers: Orphanet 140162, MedGen C0027672, MeSH D009386, MONDO:0015356.
Familial cancer of breast. Also called: hereditary breast carcinoma; BREAST CANCER, FAMILIAL; Hereditary breast cancer. Identifiers: Orphanet 227535, MedGen C0346153, MONDO:0016419, OMIM 114480. Disease mechanism: loss of function.
Familial prostate cancer. Also called: Hereditary Prostate Cancer. Identifiers: MedGen C2931456, MONDO:0700275, OMIM 176807.
Bone osteosarcoma. Also called: Osteosarcoma, somatic. Identifiers: Orphanet 668, MedGen C0585442, MONDO:0002629, OMIM 259500.
CHEK2-related cancer predisposition (TPDS4). Also called: CHEK2-related cancer susceptibility; TUMOR PREDISPOSITION SYNDROME 4; CANCER PREDISPOSITION SYNDROME, CHEK2-RELATED. Identifiers: Orphanet 524, MedGen C5882668, MONDO:0700271, OMIM 609265.

Submissions (10):

Ambry Genetics
Classification: Likely pathogenic for Hereditary cancer-predisposing syndrome. Last evaluated: 2025-05-30. Review status: criteria provided, single submitter. Criteria: Ambry Variant Classification Scheme 2023. Collection method: clinical testing. Allele origin: germline.
Comment: The c.444+1delG variant results from a deletion of one nucleotide at position 444 and involves the canonical splice donor site after coding exon 2 of the CHEK2 gene. This nucleotide position is highly conserved in available vertebrate species. In silico splice site analysis predicts that this alteration will weaken the native splice donor site and will result in the creation or strengthening of a novel splice donor site; however, direct evidence is insufficient at this time (Ambry internal data). Alterations that disrupt the canonical splice site are expected to cause aberrant splicing, resulting in an abnormal protein or a transcript that is subject to nonsense-mediated mRNA decay. As such, this alteration is classified as likely pathogenic.

Labcorp Genetics (formerly Invitae), Labcorp
Classification: Pathogenic for Familial cancer of breast. Last evaluated: 2025-04-18. Review status: criteria provided, single submitter. Criteria: Invitae Variant Classification Sherloc (09022015). Collection method: clinical testing. Allele origin: germline.
Comment: This sequence change creates a premature translational stop signal (Splice site) in the CHEK2 gene. It is expected to result in an absent or disrupted protein product. Loss-of-function variants in CHEK2 are known to be pathogenic (PMID: 21876083, 24713400). This variant is not present in population databases (gnomAD no frequency). This premature translational stop signal has been observed in individual(s) with breast cancer (PMID: 30287823). This variant is also known as c.444+1delG. ClinVar contains an entry for this variant (Variation ID: 419303). Algorithms developed to predict the effect of sequence changes on RNA splicing suggest that this variant may disrupt the consensus splice site. For these reasons, this variant has been classified as Pathogenic.

Color Diagnostics, LLC DBA Color Health
Classification: Likely pathogenic for Hereditary cancer-predisposing syndrome. Last evaluated: 2025-03-24. Review status: criteria provided, single submitter. Criteria: ACMG Guidelines, 2015. Collection method: clinical testing. Allele origin: germline.
Comment: This variant deletes the +1 nucleotide in the intron 3 splice donor site of the CHEK2 gene. Splice site prediction tools predict that this variant may have a significant impact on RNA splicing. To our knowledge, RNA studies have not been reported for this variant. However this variant is expected to result in an absent or non-functional protein product. This variant has been reported in individuals affected with breast cancer (PMID: 30287823, 32029870). Other variants affecting this donor site position have been found to be disease causing (ClinVar Variation IDs: 128075, 928268, 126914). This variant has not been identified in the general population by the Genome Aggregation Database (gnomAD). Loss of CHEK2 function is a known mechanism of disease. Based on the available evidence, this variant is classified as Likely Pathogenic.

GeneDx
Classification: Likely pathogenic. Last evaluated: 2025-02-18. Review status: criteria provided, single submitter. Criteria: GeneDx Variant Classification Process June 2021. Collection method: clinical testing. Allele origin: germline. Affected: yes.
Comment: Canonical splice site variant predicted to result in a null allele in a gene for which loss of function is a known mechanism of disease; Not observed at significant frequency in large population cohorts (gnomAD); This variant is associated with the following publications: (PMID: 32029870, 32805687, 30287823)

Quest Diagnostics Nichols Institute San Juan Capistrano
Classification: Likely pathogenic. Last evaluated: 2023-10-24. Review status: criteria provided, single submitter. Criteria: Quest Diagnostics criteria. Collection method: clinical testing. Allele origin: unknown.
Comment: The CHEK2 c.444+1del variant (also known as IVS3+1delG) disrupts a canonical splice-donor site and is predicted to interfere with normal CHEK2 mRNA splicing. This variant has been reported in the published literature in individuals with breast cancer (PMID: 30287823 (2018), 32029870 (2020)). This variant has not been reported in large, multi-ethnic general populations (Genome Aggregation Database). Based on the available information, this variant is classified as likely pathogenic.

Myriad Genetics, Inc.
Classification: Likely pathogenic for Familial cancer of breast. Last evaluated: 2023-06-23. Review status: criteria provided, single submitter. Criteria: Myriad Autosomal Dominant, Autosomal Recessive and X-Linked Classification Criteria (2023). Collection method: clinical testing. Allele origin: unknown.
Comment: This variant is considered likely pathogenic. This variant occurs within a consensus splice junction and is predicted to result in abnormal mRNA splicing of either an out-of-frame exon or an in-frame exon necessary for protein stability and/or normal function.

Baylor Genetics
Classification: Pathogenic for Familial cancer of breast. Last evaluated: 2023-01-04. Review status: criteria provided, single submitter. Criteria: ACMG Guidelines, 2015. Collection method: clinical testing. Allele origin: unknown.

Juno Genomics, Hangzhou Juno Genomics, Inc
Classification: Likely pathogenic for Bone osteosarcoma; Familial prostate cancer; CHEK2-related cancer predisposition. Review status: criteria provided, single submitter. Criteria: ACMG Guidelines, 2015. Collection method: clinical testing. Allele origin: germline.
Comment: Absent from controls (or at extremely low frequency if recessive) in Genome Aggregation Database.;Null variant in a gene where loss of function (LOF) is a known mechanism of disease.

Clinical Genetics DNA and cytogenetics Diagnostics Lab, Erasmus MC, Erasmus Medical Center
Classification: Pathogenic. Review status: no assertion criteria provided. Collection method: clinical testing. Allele origin: germline. Affected: yes. Study: VKGL Data-share Consensus. Not counted in ClinVar's aggregate classification.

Laboratory of Diagnostic Genome Analysis, Leiden University Medical Center (LUMC)
Classification: Likely pathogenic. Review status: no assertion criteria provided. Collection method: clinical testing. Allele origin: germline. Affected: yes. Study: VKGL Data-share Consensus. Not counted in ClinVar's aggregate classification.

Literature cited by the submitters: PubMed 21876083 (cited by Labcorp Genetics (formerly Invitae), Labcorp); PubMed 24713400 (cited by Labcorp Genetics (formerly Invitae), Labcorp); PubMed 30287823 (cited by 3 submitters); PubMed 32029870 (cited by Color Diagnostics, LLC DBA Color Health and Quest Diagnostics Nichols Institute San Juan Capistrano); PubMed 32805687 (cited by Quest Diagnostics Nichols Institute San Juan Capistrano).